The following is an entry in ClinVar:

NM_001322934.2(NFKB2):c.2546G>T (p.Gly849Val)

Gene: NFKB2 (nuclear factor kappa B subunit 2; plus strand). Cytogenetic location: 10q24.32.
Variant type: single nucleotide variant.
Coding change: c.2546G>T on transcript NM_001322934.2 (MANE Select); coding-DNA position 2546, G replaced by T.
Protein change: p.Gly849Val; replaces glycine 849 with valine.
Molecular consequence: missense variant.
Genome position (GRCh38, 1-based): chr10:102,402,127, G>T. VCF-style: chr10-102402127-G-T. GRCh37 (hg19) VCF-style: chr10-104161884-G-T.
Other names: c.2546G>T, p.Gly849Val (NM_001077493.1, NM_001077494.3, NM_001261403.3 and 2 more transcripts); c.2420G>T, p.Gly807Val (NM_001322935.1); short protein forms G807V, G849V.
Identifiers: ClinVar variation 2095573 (VCV002095573.4), dbSNP rs2061271110, ClinGen allele CA377906209.

ClinVar aggregate classification (germline): Uncertain significance (1 of 4 stars; one submission).

Conditions:
Immunodeficiency, common variable, 10. Also called: DEFICIT IN ANTERIOR PITUITARY FUNCTION AND VARIABLE IMMUNODEFICIENCY; IMMUNODEFICIENCY, COMMON VARIABLE, WITH CENTRAL ADRENAL INSUFFICIENCY. Identifiers: MedGen C3809991, MONDO:0014260, OMIM 615577.

Allele frequency attached by ClinVar (database versions not stated): TOPMed below 0.00001.

Submission:

Labcorp Genetics (formerly Invitae), Labcorp
Classification: Uncertain significance for Immunodeficiency, common variable, 10. Last evaluated: 2022-03-12. Review status: criteria provided, single submitter. Criteria: Invitae Variant Classification Sherloc (09022015). Collection method: clinical testing. Allele origin: germline.
Comment: Algorithms developed to predict the effect of missense changes on protein structure and function (SIFT, PolyPhen-2, Align-GVGD) all suggest that this variant is likely to be tolerated. In summary, the available evidence is currently insufficient to determine the role of this variant in disease. Therefore, it has been classified as a Variant of Uncertain Significance. This variant has not been reported in the literature in individuals affected with NFKB2-related conditions. This variant is not present in population databases (gnomAD no frequency). This sequence change replaces glycine, which is neutral and non-polar, with valine, which is neutral and non-polar, at codon 849 of the NFKB2 protein (p.Gly849Val).